The following is an entry in ClinVar:

ClinVar aggregate classification (germline): Pathogenic (1 of 4 stars; one submission).

Conditions:
Familial cancer of breast. Also called: Hereditary breast cancer; BREAST CANCER, FAMILIAL; hereditary breast carcinoma. Identifiers: Orphanet 227535, MedGen C0346153, MONDO:0016419, OMIM 114480. Disease mechanism: loss of function.

Submission:

Myriad Genetics, Inc.
Classification: Pathogenic for Familial cancer of breast. Last evaluated: 2023-09-06. Review status: criteria provided, single submitter. Criteria: Myriad Autosomal Dominant, Autosomal Recessive and X-Linked Classification Criteria (2023). Collection method: clinical testing. Allele origin: unknown.
Comment: This variant is considered pathogenic. This variant creates a frameshift predicted to result in premature protein truncation.

NM_024675.4(PALB2):c.593del (p.His198fs)

Gene: PALB2 (partner and localizer of BRCA2; minus strand). Cytogenetic location: 16p12.2.
Variant type: Deletion.
Coding change: c.593del on transcript NM_024675.4 (MANE Select); coding-DNA position 593, one base deleted (A; older notation c.593delA).
Protein change: p.His198fs; shifts the reading frame from histidine 198.
Molecular consequence: frameshift variant. On other transcripts: 5 prime UTR variant (8), intron variant (3).
Genome position (GRCh38, 1-based): chr16:23,635,953, T deleted on the plus strand (A on the coding strand, the reverse complement: PALB2 is on the minus strand). VCF-style (leftmost placement, unchanged base first): chr16-23635952-GT-G. GRCh37 (hg19) VCF-style: chr16-23647273-GT-G.
Other names: c.533del, p.His178fs (NM_001407296.1); c.593del, p.His198fs (NM_001407297.1, NM_001407298.1, NM_001407299.1 and 3 more transcripts); c.-293del (NM_001407304.1, NM_001407305.1, NM_001407306.1 and 5 more transcripts); c.48+5157del (NM_001407314.1); c.-105+5157del (NM_001407313.1, NM_001407312.1); short protein forms H178fs, H198fs.
Identifiers: ClinVar variation 2674160 (VCV002674160.1), dbSNP rs2506506605, ClinGen allele CA2695197546.